The following is an entry in ClinVar:

ClinVar aggregate classification (germline): Uncertain significance (1 of 4 stars; one submission).

Submission:

Labcorp Genetics (formerly Invitae), Labcorp
Classification: Uncertain significance. Last evaluated: 2022-04-12. Review status: criteria provided, single submitter. Criteria: Invitae Variant Classification Sherloc (09022015). Collection method: clinical testing. Allele origin: germline.
Comment: Algorithms developed to predict the effect of missense changes on protein structure and function are either unavailable or do not agree on the potential impact of this missense change (SIFT: "Deleterious"; PolyPhen-2: "Probably Damaging"; Align-GVGD: "Class C0"). In summary, the available evidence is currently insufficient to determine the role of this variant in disease. Therefore, it has been classified as a Variant of Uncertain Significance. This variant has not been reported in the literature in individuals affected with VCAN-related conditions. This variant is not present in population databases (gnomAD no frequency). This sequence change replaces proline, which is neutral and non-polar, with leucine, which is neutral and non-polar, at codon 3252 of the VCAN protein (p.Pro3252Leu).

NM_004385.5(VCAN):c.9755C>T (p.Pro3252Leu)

Gene: VCAN (versican; plus strand). Cytogenetic location: 5q14.3.
Variant type: single nucleotide variant.
Coding change: c.9755C>T on transcript NM_004385.5 (MANE Select); coding-DNA position 9755, C replaced by T.
Protein change: p.Pro3252Leu; replaces proline 3252 with leucine.
Molecular consequence: missense variant.
Genome position (GRCh38, 1-based): chr5:83,572,435, C>T. VCF-style: chr5-83572435-C-T. GRCh37 (hg19) VCF-style: chr5-82868254-C-T.
Other names: c.1532C>T, p.Pro511Leu (NM_001126336.3); c.6794C>T, p.Pro2265Leu (NM_001164097.2); c.4493C>T, p.Pro1498Leu (NM_001164098.2); short protein forms P2265L, P1498L, P511L, P3252L.
Identifiers: ClinVar variation 2125532 (VCV002125532.4), dbSNP rs2479169558, ClinGen allele CA360298576.